The following is an entry in ClinVar:

NM_024514.5(CYP2R1):c.995T>C (p.Ile332Thr)

Genes: PDE3B (phosphodiesterase 3B; plus strand), CYP2R1 (cytochrome P450 family 2 subfamily R member 1; minus strand). Cytogenetic location: 11p15.2.
Variant type: single nucleotide variant.
Coding change: c.995T>C on transcript NM_024514.5 (MANE Select); coding-DNA position 995, T replaced by C.
Protein change: p.Ile332Thr; replaces isoleucine 332 with threonine.
Molecular consequence: missense variant.
Genome position (GRCh38, 1-based): chr11:14,880,141, A>G on the plus strand (T>C on the coding strand, the complement: CYP2R1 is on the minus strand). VCF-style: chr11-14880141-A-G. GRCh37 (hg19) VCF-style: chr11-14901687-A-G.
Other names: p.Ile332Thr; c.650T>C, p.Ile217Thr (NM_001377214.1, NM_001377215.1, NM_001377216.1 and 1 more transcripts); c.833T>C, p.Ile278Thr (NM_001377217.1); short protein forms I332T, I217T, I278T.
Identifiers: ClinVar variation 429315 (VCV000429315.6), dbSNP rs368317393, ClinGen allele CA217921471.

ClinVar aggregate classification (germline): Uncertain significance. Review status: criteria provided, multiple submitters, no conflicts (2 of 4 stars). 4 submissions from 4 submitters: Uncertain significance (4). Last evaluated 2024-02-28.

Conditions:
Vitamin D hydroxylation-deficient rickets, type 1B. Also called: PSEUDOVITAMIN D3 DEFICIENCY RICKETS DUE TO 25-HYDROXYLASE DEFICIENCY; VITAMIN D-DEPENDENT RICKETS, TYPE 1B; Rickets due to Defect in Vitamin D 25-hydroxylation. Identifiers: Orphanet 289157, MedGen C1838657, MONDO:0010810, OMIM 600081.

Allele frequency attached by ClinVar (database versions not stated): TOPMed 0.00007; gnomAD 0.00007 and 0.00006; gnomAD exomes 0.00002; ESP Exome Variant Server 0.00008.
gnomAD v4.1: 34 of 1,612,566 alleles (0.0021%); highest among the groups gnomAD compares: Admixed American, 0.013%; no homozygotes.

Submissions (4):

Fulgent Genetics
Classification: Uncertain significance for Vitamin D hydroxylation-deficient rickets, type 1B. Last evaluated: 2024-02-28. Review status: criteria provided, single submitter. Criteria: ACMG Guidelines, 2015. Collection method: clinical testing. Allele origin: germline.

Mayo Clinic Laboratories, Mayo Clinic
Classification: Uncertain significance. Last evaluated: 2023-06-09. Review status: criteria provided, single submitter. Criteria: ACMG Guidelines, 2015. Collection method: clinical testing. Allele origin: germline. Observed: 1 variant allele.

Labcorp Genetics (formerly Invitae), Labcorp
Classification: Uncertain significance. Last evaluated: 2022-05-10. Review status: criteria provided, single submitter. Criteria: Invitae Variant Classification Sherloc (09022015). Collection method: clinical testing. Allele origin: germline.
Comment: This sequence change replaces isoleucine, which is neutral and non-polar, with threonine, which is neutral and polar, at codon 332 of the CYP2R1 protein (p.Ile332Thr). This variant is present in population databases (rs368317393, gnomAD 0.003%). This variant has not been reported in the literature in individuals affected with CYP2R1-related conditions. ClinVar contains an entry for this variant (Variation ID: 429315). Algorithms developed to predict the effect of missense changes on protein structure and function (SIFT, PolyPhen-2, Align-GVGD) all suggest that this variant is likely to be disruptive. In summary, the available evidence is currently insufficient to determine the role of this variant in disease. Therefore, it has been classified as a Variant of Uncertain Significance.

GeneDx
Classification: Uncertain significance. Last evaluated: 2017-05-05. Review status: criteria provided, single submitter. Criteria: GeneDx Variant Classification (06012015). Collection method: clinical testing. Allele origin: germline. Affected: yes.
Comment: The I332T variant in the CYP2R1 gene has not been reported previously as a pathogenic variant, nor as a benign variant, to our knowledge. The I332T variant is not observed in large population cohorts (Lek et al., 2016; 1000 Genomes Consortium et al., 2015; Exome Variant Server). The I332T variant is a non-conservative amino acid substitution, which is likely to impact secondary protein structure as these residues differ in polarity, charge, size and/or other properties. This substitution occurs at a position that is conserved across species. In silico analysis predicts this variant is probably damaging to the protein structure/function. We interpret I332T as a variant of uncertain significance.

Literature cited by the submitters: PubMed 32115644 (cited by Mayo Clinic Laboratories, Mayo Clinic).